The following is an entry in ClinVar:

NM_001365536.1(SCN9A):c.5393A>C (p.Glu1798Ala)

Genes: SCN1A-AS1 (SCN1A and SCN9A antisense RNA 1; plus strand), SCN9A (sodium voltage-gated channel alpha subunit 9; minus strand). Cytogenetic location: 2q24.3.
Variant type: single nucleotide variant.
Coding change: c.5393A>C on transcript NM_001365536.1 (MANE Select); coding-DNA position 5393, A replaced by C.
Protein change: p.Glu1798Ala; replaces glutamic acid 1798 with alanine.
Molecular consequence: missense variant.
Genome position (GRCh38, 1-based): chr2:166,199,246, T>G on the plus strand (A>C on the coding strand, the complement: SCN9A is on the minus strand). VCF-style: chr2-166199246-T-G. GRCh37 (hg19) VCF-style: chr2-167055756-T-G.
Other names: c.5360A>C, p.Glu1787Ala (NM_002977.4); short protein forms E1787A, E1798A.
Identifiers: ClinVar variation 1034557 (VCV001034557.9), dbSNP rs200745478, ClinGen allele CA349053068.

ClinVar aggregate classification (germline): Uncertain significance (1 of 4 stars; one submission).

Conditions:
Generalized epilepsy with febrile seizures plus, type 7 (GEFSP7). Also called: GEFS+, TYPE 7. Identifiers: Orphanet 36387, MedGen C2751778, MONDO:0013470, OMIM 613863.
Neuropathy, hereditary sensory and autonomic, type 2A (HSAN2A). Also called: ACROOSTEOLYSIS, GIACCAI TYPE; ACROOSTEOLYSIS, NEUROGENIC; MORVAN DISEASE; NEUROPATHY, CONGENITAL SENSORY; NEUROPATHY, HEREDITARY SENSORY RADICULAR, AUTOSOMAL RECESSIVE; NEUROPATHY, HEREDITARY SENSORY, TYPE IIA. Identifiers: Orphanet 970, MedGen C2752089, MONDO:0024309, OMIM 201300.

Allele frequency attached by ClinVar (database versions not stated): gnomAD below 0.00001 and 0.00001.
gnomAD v4.1: 1 of 1,614,042 alleles (0.000062%); highest among the groups gnomAD compares: South Asian, 0.0011%; no homozygotes.

Submission:

Labcorp Genetics (formerly Invitae), Labcorp
Classification: Uncertain significance for Neuropathy, hereditary sensory and autonomic, type 2A; Generalized epilepsy with febrile seizures plus, type 7. Last evaluated: 2020-01-01. Review status: criteria provided, single submitter. Criteria: Invitae Variant Classification Sherloc (09022015). Collection method: clinical testing. Allele origin: germline.
Comment: In summary, the available evidence is currently insufficient to determine the role of this variant in disease. Therefore, it has been classified as a Variant of Uncertain Significance. Algorithms developed to predict the effect of missense changes on protein structure and function are either unavailable or do not agree on the potential impact of this missense change (SIFT: "Deleterious"; PolyPhen-2: "Possibly Damaging"; Align-GVGD: "Class C15"). This sequence change replaces glutamic acid with alanine at codon 1787 of the SCN9A protein (p.Glu1787Ala). The glutamic acid residue is highly conserved and there is a moderate physicochemical difference between glutamic acid and alanine. This variant is not present in population databases (ExAC no frequency). This variant has not been reported in the literature in individuals with SCN9A-related conditions.